The following is an entry in ClinVar:

NM_001110556.2(FLNA):c.2608C>T (p.His870Tyr)

Gene: FLNA (filamin A; minus strand). Cytogenetic location: Xq28.
Variant type: single nucleotide variant.
Coding change: c.2608C>T on transcript NM_001110556.2 (MANE Select); coding-DNA position 2608, C replaced by T.
Protein change: p.His870Tyr; replaces histidine 870 with tyrosine.
Molecular consequence: missense variant.
Genome position (GRCh38, 1-based): chrX:154,362,290, G>A on the plus strand (C>T on the coding strand, the complement: FLNA is on the minus strand). VCF-style: chrX-154362290-G-A. GRCh37 (hg19) VCF-style: chrX-153590658-G-A.
Other names: c.2608C>T, p.His870Tyr (NM_001456.4); short protein forms H870Y.
Identifiers: ClinVar variation 392403 (VCV000392403.6), dbSNP rs1057524473, ClinGen allele CA16609151.

ClinVar aggregate classification (germline): Conflicting classifications of pathogenicity. Review status: criteria provided, conflicting classifications (1 of 4 stars). 3 submissions from 3 submitters: Uncertain significance (2); Likely benign (1). Last evaluated 2026-01-24.

Conditions:
Heterotopia, periventricular, X-linked dominant (PVNH1). Also called: PERIVENTRICULAR NODULAR HETEROTOPIA 4; HETEROTOPIA, PERIVENTRICULAR, 1; PERIVENTRICULAR NODULAR HETEROTOPIA 1; X-linked periventricular heterotopia. Identifiers: Orphanet 2149, Orphanet 82004, MedGen C1848213, MONDO:0010233, OMIM 300049.
Oto-palato-digital syndrome, type II (OPD2). Also called: Otopalatodigital Syndrome, Type II; Otopalatodigital Syndrome Type 2 (FLNA-OPD2); FACIOPALATOOSSEOUS SYNDROME; OPD II SYNDROME. Identifiers: Orphanet 669, Orphanet 90652, MedGen C1844696, MONDO:0010571, OMIM 304120.
Frontometaphyseal dysplasia (FMD1). Identifiers: Orphanet 1826, MedGen C0265293, MONDO:0015942.
Melnick-Needles syndrome (MNS). Also called: Melnick-Needles Syndrome (FLNA-MNS); MELNICK-NEEDLES OSTEODYSPLASTY; OSTEODYSPLASTY OF MELNICK AND NEEDLES. Identifiers: Orphanet 2484, MedGen C0025237, MONDO:0010650, OMIM 309350.
Familial thoracic aortic aneurysm and aortic dissection (TAAD). Also called: Thoracic aortic aneurysms and dissections. Identifiers: Orphanet 91387, MedGen C4707243, MONDO:0019625.

Allele frequency attached by ClinVar (database versions not stated): gnomAD exomes below 0.00001 and 0.00001; TOPMed below 0.00001; gnomAD 0.00001.
gnomAD v4.1: 2 of 1,209,860 alleles (0.00017%); highest among the groups gnomAD compares: Non-Finnish European, 0.00022%; no homozygotes.

Submissions (3):

Ambry Genetics
Classification: Uncertain significance for Familial thoracic aortic aneurysm and aortic dissection. Last evaluated: 2026-01-24. Review status: criteria provided, single submitter. Criteria: Ambry Variant Classification Scheme 2023. Collection method: clinical testing. Allele origin: germline.
Comment: The p.H870Y variant (also known as c.2608C>T), located in coding exon 17 of the FLNA gene, results from a C to T substitution at nucleotide position 2608. The histidine at codon 870 is replaced by tyrosine, an amino acid with similar properties. This amino acid position is conserved. In addition, this alteration is predicted to be deleterious by in silico analysis. Based on the available evidence, the clinical significance of this variant remains unclear.

Labcorp Genetics (formerly Invitae), Labcorp
Classification: Likely benign for Oto-palato-digital syndrome, type II; Heterotopia, periventricular, X-linked dominant; Frontometaphyseal dysplasia; Melnick-Needles syndrome. Last evaluated: 2023-08-16. Review status: criteria provided, single submitter. Criteria: Invitae Variant Classification Sherloc (09022015). Collection method: clinical testing. Allele origin: germline.

GeneDx
Classification: Uncertain significance. Last evaluated: 2017-01-17. Review status: criteria provided, single submitter. Criteria: GeneDx Variant Classification (06012015). Collection method: clinical testing. Allele origin: germline. Affected: yes.
Comment: The H870Y variant in the FLNA gene has not been reported previously as a pathogenic variant, nor as a benign variant, to our knowledge. The H870Y variant was not observed in approximately 6,300 individuals of European and African American ancestry in the NHLBI Exome Sequencing Project, indicating it is not a common benign variant in these populations. The H870Y variant is a non-conservative amino acid substitution, which is likely to impact secondary protein structure as these residues differ in polarity, charge, size and/or other properties. This substitution occurs at a position that is conserved across species. In silico analysis predicts this variant is probably damaging to the protein structure/function. We interpret H870Y as a variant of uncertain significance.